The following is an entry in ClinVar:

NM_000553.6(WRN):c.583dup (p.Ile195fs)

Gene: WRN (WRN RecQ like helicase; plus strand). Cytogenetic location: 8p12.
Variant type: Duplication.
Coding change: c.583dup on transcript NM_000553.6 (MANE Select); coding-DNA position 583, one base duplicated (A; older notation c.583dupA).
Protein change: p.Ile195fs; shifts the reading frame from isoleucine 195.
Molecular consequence: frameshift variant.
Genome position (GRCh38, 1-based): chr8:31,067,111, A duplicated. VCF-style (leftmost placement, unchanged base first): chr8-31067110-T-TA. GRCh37 (hg19) VCF-style: chr8-30924626-T-TA.
Other names: short protein forms I195fs.
Identifiers: ClinVar variation 2770130 (VCV002770130.3), dbSNP rs2535887324, ClinGen allele CA2697549822.
Genomic context (GRCh38, chr8:31,067,110, plus strand): 5'-CTGGAGCCTTAACAGTCTGGTTAAACACCTCTTAGGTAAACAGCTCCTGAAAGACAAGTC[T>TA]ATCCGCTGTAGCAATTGGAGTAAATTTCCTCTCACTGAGGACCAGAAACTGTATGCAGCC-3'

ClinVar aggregate classification (germline): Pathogenic (1 of 4 stars; one submission).

Conditions:
Werner syndrome (WRN). Identifiers: Orphanet 902, MedGen C0043119, MONDO:0010196, OMIM 277700.

Submission:

Labcorp Genetics (formerly Invitae), Labcorp
Classification: Pathogenic for Werner syndrome. Last evaluated: 2023-10-19. Review status: criteria provided, single submitter. Criteria: Invitae Variant Classification Sherloc (09022015). Collection method: clinical testing. Allele origin: germline.
Comment: This sequence change creates a premature translational stop signal (p.Ile195Asnfs*4) in the WRN gene. It is expected to result in an absent or disrupted protein product. Loss-of-function variants in WRN are known to be pathogenic (PMID: 16673358). This variant is not present in population databases (gnomAD no frequency). This variant has not been reported in the literature in individuals affected with WRN-related conditions. Algorithms developed to predict the effect of sequence changes on RNA splicing suggest that this variant may disrupt the consensus splice site. For these reasons, this variant has been classified as Pathogenic.

Literature cited by the submitters: PubMed 16673358.